The following is an entry in ClinVar:

NM_138775.3(ALKBH8):c.-6-5dup

Gene: ALKBH8 (alkB homolog 8, tRNA methyltransferase; minus strand). Cytogenetic location: 11q22.3.
Variant type: Duplication.
Coding change: c.-6-5dup on transcript NM_138775.3 (MANE Select); 5 bases into the intron before 6 bases upstream of the start codon, one base duplicated (T; older notation c.-6-5dupT).
Molecular consequence: intron variant.
Genome position (GRCh38, 1-based): chr11:107,560,904, A duplicated on the plus strand (T on the coding strand, the reverse complement: ALKBH8 is on the minus strand); the first of 7 consecutive A bases (chr11:107,560,904-107,560,910); duplicating any one gives the same sequence. VCF-style (leftmost placement, unchanged base first): chr11-107560903-T-TA. GRCh37 (hg19) VCF-style: chr11-107431629-T-TA.
Other names: c.-6-5dup (NM_001378133.1, NM_001301010.3).
Identifiers: ClinVar variation 3041402 (VCV003041402.3), dbSNP rs200942712, ClinGen allele CA6261360.

ClinVar aggregate classification (germline): Likely benign. Review status: criteria provided, single submitter (1 of 4 stars). 2 submissions from 2 submitters: Likely benign (1). 1 of the submissions does not count toward it. Last evaluated 2024-11-26.

Conditions:
ALKBH8-related disorder. Also called: ALKBH8-related condition.

Submissions (2):

Blueprint Genetics
Classification: Likely benign. Last evaluated: 2024-11-26. Review status: criteria provided, single submitter. Criteria: ACMG Guidelines, 2015. Collection method: clinical testing. Allele origin: germline.

PreventionGenetics, part of Exact Sciences
Classification: Likely benign for ALKBH8-related condition. Last evaluated: 2019-11-25. Review status: no assertion criteria provided. Collection method: clinical testing. Allele origin: germline. Not counted in ClinVar's aggregate classification.
Comment: This variant is classified as likely benign based on ACMG/AMP sequence variant interpretation guidelines (Richards et al. 2015 PMID: 25741868, with internal and published modifications).